The following is an entry in ClinVar:

ClinVar aggregate classification (germline): Benign/Likely benign. Review status: criteria provided, multiple submitters, no conflicts (2 of 4 stars). 3 submissions from 3 submitters: Benign (1); Likely benign (2). Last evaluated 2026-01-18.

Conditions:
Phosphoenolpyruvate carboxykinase deficiency, cytosolic (PCKDC). Also called: PCK1 DEFICIENCY, CYTOSOLIC; PEPCK DEFICIENCY, CYTOSOLIC. Identifiers: Orphanet 2880, MedGen C5574905, MONDO:0009866, OMIM 261680.

Allele frequency attached by ClinVar (database versions not stated): gnomAD exomes 0.00019 and 0.00053; ExAC 0.00067; ESP Exome Variant Server 0.00185; TOPMed 0.00193; gnomAD 0.00196 and 0.00208; 1000 Genomes Project 30x 0.00312; 1000 Genomes Project 0.00319.
gnomAD v4.1: 606 of 1,612,382 alleles (0.038%); highest among the groups gnomAD compares: African/African-American, 0.66%; 3 homozygotes.

Submissions (3):

Labcorp Genetics (formerly Invitae), Labcorp
Classification: Benign. Last evaluated: 2026-01-18. Review status: criteria provided, single submitter. Criteria: Invitae Variant Classification Sherloc (09022015). Collection method: clinical testing. Allele origin: germline.

Blueprint Genetics
Classification: Likely benign. Last evaluated: 2024-11-11. Review status: criteria provided, single submitter. Criteria: ACMG Guidelines, 2015. Collection method: clinical testing. Allele origin: germline.

Illumina Laboratory Services, Illumina
Classification: Likely benign for Phosphoenolpyruvate carboxykinase deficiency, cytosolic. Last evaluated: 2018-01-12. Review status: criteria provided, single submitter. Criteria: ICSL Variant Classification Criteria 13 December 2019. Collection method: clinical testing. Allele origin: germline.
Comment: This variant was observed in the ICSL laboratory as part of a predisposition screen in an ostensibly healthy population. It had not been previously curated by ICSL or reported in the Human Gene Mutation Database (HGMD: prior to June 1st, 2018), and was therefore a candidate for classification through an automated scoring system. Utilizing variant allele frequency, disease prevalence and penetrance estimates, and inheritance mode, an automated score was calculated to assess if this variant is too frequent to cause the disease. Based on the score and internal cut-off values, a variant classified as likely benign is not then subjected to further curation. The score for this variant resulted in a classification of likely benign for this disease.

NM_002591.4(PCK1):c.843G>A (p.Ala281=)

Gene: PCK1 (phosphoenolpyruvate carboxykinase 1; plus strand). Cytogenetic location: 20q13.31.
Variant type: single nucleotide variant.
Coding change: c.843G>A on transcript NM_002591.4 (MANE Select); coding-DNA position 843, G replaced by A.
Protein change: p.Ala281=; no amino-acid change (alanine 281 retained).
Molecular consequence: synonymous variant.
Genome position (GRCh38, 1-based): chr20:57,563,609, G>A. VCF-style: chr20-57563609-G-A. GRCh37 (hg19) VCF-style: chr20-56138665-G-A.
Identifiers: ClinVar variation 787495 (VCV000787495.14), dbSNP rs28359546, ClinGen allele CA9922180.